The following is an entry in ClinVar:

ClinVar aggregate classification (germline): Uncertain significance (1 of 4 stars; one submission).

gnomAD v4.1: 10 of 1,433,966 alleles (0.0007%); highest among the groups gnomAD compares: Non-Finnish European, 0.00082%; no homozygotes.

Submission:

Labcorp Genetics (formerly Invitae), Labcorp
Classification: Uncertain significance. Last evaluated: 2021-04-16. Review status: criteria provided, single submitter. Criteria: Invitae Variant Classification Sherloc (09022015). Collection method: clinical testing. Allele origin: germline.
Comment: In summary, the available evidence is currently insufficient to determine the role of this variant in disease. Therefore, it has been classified as a Variant of Uncertain Significance. Algorithms developed to predict the effect of missense changes on protein structure and function are either unavailable or do not agree on the potential impact of this missense change (SIFT: "Deleterious"; PolyPhen-2: "Not Available"; Align-GVGD: "Class C0"). This variant has not been reported in the literature in individuals with RETREG1-related conditions. The frequency data for this variant in the population databases is considered unreliable, as metrics indicate insufficient coverage at this position in the ExAC database. This sequence change replaces alanine with proline at codon 5 of the RETREG1 protein (p.Ala5Pro). The alanine residue is weakly conserved and there is a small physicochemical difference between alanine and proline.

NM_001034850.3(RETREG1):c.13G>C (p.Ala5Pro)

Genes: RETREG1 (reticulophagy regulator 1; minus strand), RETREG1-AS1 (RETREG1 antisense RNA 1; plus strand), LOC129993734 (ATAC-STARR-seq lymphoblastoid silent region 15947; plus strand). Cytogenetic location: 5p15.1.
Variant type: single nucleotide variant.
Coding change: c.13G>C on transcript NM_001034850.3 (MANE Select); coding-DNA position 13, G replaced by C.
Protein change: p.Ala5Pro; replaces alanine 5 with proline.
Molecular consequence: missense variant.
Genome position (GRCh38, 1-based): chr5:16,616,959, C>G on the plus strand (G>C on the coding strand, the complement: RETREG1 is on the minus strand). VCF-style: chr5-16616959-C-G. GRCh37 (hg19) VCF-style: chr5-16617068-C-G.
Other names: short protein forms A5P.
Identifiers: ClinVar variation 1364447 (VCV001364447.8), dbSNP rs550339729, ClinGen allele CA359293204.
Genomic context (GRCh38, chr5:16,616,959, plus strand): 5'-GCGGCGCCTGCTCCTCGGCGGCAGGAGCCGGGCATCCCTCCTCGGCGTGCTCCGGAGGCG[C>G]CGGGCTCGCCATCTTCAGCTGTGCTTCCAGACAGGGACGGGGCCGGGCGCGCGCGCGGGC-3'
Protein context (NP_001030022.1, residues 1-15): MASP[Ala5Pro]PPEHAEEGCP